The following is an entry in ClinVar:

NM_000743.5(CHRNA3):c.50T>G (p.Leu17Arg)

Gene: CHRNA3 (cholinergic receptor nicotinic alpha 3 subunit; minus strand). Cytogenetic location: 15q25.1.
Variant type: single nucleotide variant.
Coding change: c.50T>G on transcript NM_000743.5 (MANE Select); coding-DNA position 50, T replaced by G.
Protein change: p.Leu17Arg; replaces leucine 17 with arginine.
Molecular consequence: missense variant. On other transcripts: non-coding transcript variant (1).
Genome position (GRCh38, 1-based): chr15:78,620,745, A>C on the plus strand (T>G on the coding strand, the complement: CHRNA3 is on the minus strand). VCF-style: chr15-78620745-A-C. GRCh37 (hg19) VCF-style: chr15-78913087-A-C.
Other names: c.50T>G, p.Leu17Arg (NM_001166694.2); short protein forms L17R.
Identifiers: ClinVar variation 1978730 (VCV001978730.1), dbSNP rs12906406, ClinGen allele CA273883079.

ClinVar aggregate classification (germline): Uncertain significance (1 of 4 stars; one submission).

Allele frequency attached by ClinVar (database versions not stated): gnomAD exomes below 0.00001.
gnomAD v4.1: 2 of 1,365,782 alleles (0.00015%); highest among the groups gnomAD compares: Non-Finnish European, 0.0002%; no homozygotes.

Submission:

Labcorp Genetics (formerly Invitae), Labcorp
Classification: Uncertain significance. Last evaluated: 2022-07-23. Review status: criteria provided, single submitter. Criteria: Invitae Variant Classification Sherloc (09022015). Collection method: clinical testing. Allele origin: germline.
Comment: This sequence change replaces leucine, which is neutral and non-polar, with arginine, which is basic and polar, at codon 17 of the CHRNA3 protein (p.Leu17Arg). This variant is not present in population databases (gnomAD no frequency). This variant has not been reported in the literature in individuals affected with CHRNA3-related conditions. Algorithms developed to predict the effect of missense changes on protein structure and function output the following: SIFT: "Tolerated"; PolyPhen-2: "Not Available"; Align-GVGD: "Class C0". The arginine amino acid residue is found in multiple mammalian species, which suggests that this missense change does not adversely affect protein function. In summary, the available evidence is currently insufficient to determine the role of this variant in disease. Therefore, it has been classified as a Variant of Uncertain Significance.